The following is an entry in ClinVar:

NM_012330.4(KAT6B):c.2448G>A (p.Thr816=)

Gene: KAT6B (lysine acetyltransferase 6B; plus strand). Cytogenetic location: 10q22.2.
Variant type: single nucleotide variant.
Coding change: c.2448G>A on transcript NM_012330.4 (MANE Select); coding-DNA position 2448, G replaced by A.
Protein change: p.Thr816=; no amino-acid change (threonine 816 retained).
Molecular consequence: synonymous variant. On other transcripts: intron variant (4).
Genome position (GRCh38, 1-based): chr10:74,985,154, G>A. VCF-style: chr10-74985154-G-A. GRCh37 (hg19) VCF-style: chr10-76744912-G-A.
Other names: c.1899G>A, p.Thr633= (NM_001256468.2, NM_001370138.1); c.1572G>A, p.Thr524= (NM_001256469.2, NM_001370139.1, NM_001370140.1 and 2 more transcripts); c.2448G>A, p.Thr816= (NM_001370136.1, NM_001370137.1); c.1383G>A, p.Thr461= (NM_001370143.1, NM_001370144.1); c.847-3865G>A (NM_001370133.1); c.450+3226G>A (NM_001370134.1); c.1497+3226G>A (NM_001370132.1); c.193-3865G>A (NM_001370135.1).
Identifiers: ClinVar variation 260235 (VCV000260235.15), dbSNP rs372149429, ClinGen allele CA5564599.
Genomic context (GRCh38, chr10:74,985,154, plus strand): 5'-GAGCAAAATTTATTGCCAAAACCTTTGCTTGTTAGCCAAGCTCTTCCTGGACCACAAAAC[G>A]TTGTATTATGATGTCGAGCCATTCCTTTTTTATGTCCTTACAAAAAATGATGAAAAGGGC-3'
Protein context (NP_036462.2, residues 806-826): LLAKLFLDHK[Thr816=]LYYDVEPFLF

ClinVar aggregate classification (germline): Likely benign. Review status: criteria provided, multiple submitters, no conflicts (2 of 4 stars). 5 submissions from 5 submitters: Likely benign (5). Last evaluated 2026-01-12.

Conditions:
Genitopatellar syndrome (GTPTS). Also called: Genitopatellar syndrome (GPS); ABSENT PATELLAE, SCROTAL HYPOPLASIA, RENAL ANOMALIES, FACIAL DYSMORPHISM, AND MENTAL RETARDATION. Identifiers: Orphanet 85201, MedGen C1853566, MONDO:0011640, OMIM 606170.

Allele frequency attached by ClinVar (database versions not stated): ExAC 0.00018; gnomAD exomes 0.00035 and 0.00016; ESP Exome Variant Server 0.00008; gnomAD 0.00016 and 0.00017; TOPMed 0.00016.
gnomAD v4.1: 531 of 1,613,936 alleles (0.033%); highest among the groups gnomAD compares: Non-Finnish European, 0.043%; no homozygotes.

Submissions (5):

Labcorp Genetics (formerly Invitae), Labcorp
Classification: Likely benign for Genitopatellar syndrome. Last evaluated: 2026-01-12. Review status: criteria provided, single submitter. Criteria: Invitae Variant Classification Sherloc (09022015). Collection method: clinical testing. Allele origin: germline.

Blueprint Genetics
Classification: Likely benign. Last evaluated: 2024-01-30. Review status: criteria provided, single submitter. Criteria: ACMG Guidelines, 2015. Collection method: clinical testing. Allele origin: germline.

GeneDx
Classification: Likely benign. Last evaluated: 2021-01-29. Review status: criteria provided, single submitter. Criteria: GeneDx Variant Classification Process June 2021. Collection method: clinical testing. Allele origin: germline. Affected: yes.

Breakthrough Genomics
Classification: Likely benign. Review status: criteria provided, single submitter. Criteria: ACMG Guidelines, 2015. Collection method: not provided. Allele origin: germline. Inheritance: Autosomal dominant inheritance. Affected: yes.

PreventionGenetics, part of Exact Sciences
Classification: Likely benign. Review status: criteria provided, single submitter. Criteria: ACMG Guidelines, 2015. Collection method: clinical testing. Allele origin: germline.